The following is an entry in ClinVar:

NM_001330260.2(SCN8A):c.5332G>C (p.Asp1778His)

Gene: SCN8A (sodium voltage-gated channel alpha subunit 8; plus strand). Cytogenetic location: 12q13.13.
Variant type: single nucleotide variant.
Coding change: c.5332G>C on transcript NM_001330260.2 (MANE Select); coding-DNA position 5332, G replaced by C.
Protein change: p.Asp1778His; replaces aspartic acid 1778 with histidine.
Molecular consequence: missense variant.
Genome position (GRCh38, 1-based): chr12:51,806,818, G>C. VCF-style: chr12-51806818-G-C. GRCh37 (hg19) VCF-style: chr12-52200602-G-C.
Other names: c.5209G>C, p.Asp1737His (NM_001177984.3, NM_001369788.1); c.5332G>C, p.Asp1778His (NM_014191.4); short protein forms D1737H, D1778H.
Identifiers: ClinVar variation 4795317 (VCV004795317.1).

ClinVar aggregate classification (germline): Uncertain significance (1 of 4 stars; one submission).

gnomAD v4.1: 6 of 1,614,210 alleles (0.00037%); highest among the groups gnomAD compares: Non-Finnish European, 0.00042%; no homozygotes.

Submission:

GeneDx
Classification: Uncertain significance. Last evaluated: 2025-08-13. Review status: criteria provided, single submitter. Criteria: GeneDx Variant Classification Process June 2021. Collection method: clinical testing. Allele origin: germline. Affected: yes.
Comment: Not observed at significant frequency in large population cohorts (gnomAD); In silico analysis supports that this missense variant has a deleterious effect on protein structure/function; Has not been previously published as pathogenic or benign to our knowledge; This substitution is predicted to be within the C-terminal cytoplasmic domain